The following is an entry in ClinVar:

ClinVar aggregate classification (germline): Uncertain significance (1 of 4 stars; one submission).

gnomAD v4.1: 71 of 1,608,342 alleles (0.0044%); highest among the groups gnomAD compares: South Asian, 0.013%; no homozygotes.

Submission:

CeGaT Center for Human Genetics Tuebingen
Classification: Uncertain significance. Last evaluated: 2024-11-01. Review status: criteria provided, single submitter. Criteria: CeGaT Center For Human Genetics Tuebingen Variant Classification Criteria Version 2. Collection method: clinical testing. Allele origin: germline. Affected: yes. Observed: 1 variant allele.
Comment: PTRH2: PM2, PM3:Supporting, BP4

NM_016077.5(PTRH2):c.1-4T>C

Gene: PTRH2 (peptidyl-tRNA hydrolase 2; minus strand). Cytogenetic location: 17q23.1.
Variant type: single nucleotide variant.
Coding change: c.1-4T>C on transcript NM_016077.5 (MANE Select); 4 bases into the intron before coding-DNA position 1, T replaced by C.
Molecular consequence: intron variant.
Genome position (GRCh38, 1-based): chr17:59,697,982, A>G on the plus strand (T>C on the coding strand, the complement: PTRH2 is on the minus strand). VCF-style: chr17-59697982-A-G. GRCh37 (hg19) VCF-style: chr17-57775343-A-G.
Other names: c.4-4T>C (NM_001015509.3).
Identifiers: ClinVar variation 3388743 (VCV003388743.14).